The following is an entry in ClinVar:

NM_001184900.3(CARD8):c.584C>T (p.Thr195Ile)

Gene: CARD8 (caspase recruitment domain family member 8; minus strand). Cytogenetic location: 19q13.33.
Variant type: single nucleotide variant.
Coding change: c.584C>T on transcript NM_001184900.3 (MANE Select); coding-DNA position 584, C replaced by T.
Protein change: p.Thr195Ile; replaces threonine 195 with isoleucine.
Molecular consequence: missense variant. On other transcripts: non-coding transcript variant (4).
Genome position (GRCh38, 1-based): chr19:48,230,965, G>A on the plus strand (C>T on the coding strand, the complement: CARD8 is on the minus strand). VCF-style: chr19-48230965-G-A. GRCh37 (hg19) VCF-style: chr19-48734222-G-A.
Other names: c.434C>T, p.Thr145Ile (NM_001184901.1, NM_001351783.2, NM_001351788.2 and 2 more transcripts); c.584C>T, p.Thr195Ile (NM_001184902.2, NM_001184903.1, NM_001351782.2); c.269C>T, p.Thr90Ile (NM_001351784.2, NM_001351787.2, NM_001351791.2 and 2 more transcripts); c.248C>T, p.Thr83Ile (NM_001351786.2); c.341C>T, p.Thr114Ile (NM_001351790.2); short protein forms T114I, T145I, T195I, T83I, T90I.
Identifiers: ClinVar variation 4797538 (VCV004797538.1).

ClinVar aggregate classification (germline): Uncertain significance (1 of 4 stars; one submission).

gnomAD v4.1: 20 of 1,614,190 alleles (0.0012%); highest among the groups gnomAD compares: South Asian, 0.022%; no homozygotes.

Submission:

Labcorp Genetics (formerly Invitae), Labcorp
Classification: Uncertain significance. Last evaluated: 2025-06-30. Review status: criteria provided, single submitter. Criteria: Invitae Variant Classification Sherloc (09022015). Collection method: clinical testing. Allele origin: germline.
Comment: This sequence change replaces threonine, which is neutral and polar, with isoleucine, which is neutral and non-polar, at codon 145 of the CARD8 protein (p.Thr145Ile). This variant is present in population databases (rs768449522, gnomAD 0.02%). This variant has not been reported in the literature in individuals affected with CARD8-related conditions. An algorithm developed to predict the effect of missense changes on protein structure and function (PolyPhen-2) suggests that this variant is likely to be tolerated. In summary, the available evidence is currently insufficient to determine the role of this variant in disease. Therefore, it has been classified as a Variant of Uncertain Significance.